The following is an entry in ClinVar:

Conditions:
Arteriohepatic dysplasia. Also called: Alagille Syndrome. Identifiers: Orphanet 52, MedGen C0085280, MeSH D016738, MONDO:0007318.

Submission:

Gilbert/Spinner Lab, Children's Hospital of Philadelphia
No classification provided (evidence only). Condition: Alagille syndrome. Review status: no classification provided. Collection method: research. Allele origin: not applicable. Functional consequence: functionally_abnormal.
ClinVar note: "not provided" was previously submitted as the classification for the variant. However, the classification appeared to be based only on an observation of functional data so it was converted to no classification on 2025-07-30.

NM_000214.3(JAG1):c.50T>C (p.Leu17Pro)

Gene: JAG1 (jagged canonical Notch ligand 1; minus strand). Cytogenetic location: 20p12.2.
Variant type: single nucleotide variant.
Coding change: c.50T>C on transcript NM_000214.3 (MANE Select); coding-DNA position 50, T replaced by C.
Protein change: p.Leu17Pro; replaces leucine 17 with proline.
Molecular consequence: missense variant.
Genome position (GRCh38, 1-based): chr20:10,673,481, A>G on the plus strand (T>C on the coding strand, the complement: JAG1 is on the minus strand). VCF-style: chr20-10673481-A-G. GRCh37 (hg19) VCF-style: chr20-10654129-A-G.
Other names: short protein forms L17P.
Identifiers: ClinVar variation 3573032 (VCV003573032.2).